The following is an entry in ClinVar:

NM_005359.6(SMAD4):c.506A>C (p.Gln169Pro)

Gene: SMAD4 (SMAD family member 4; plus strand). Cytogenetic location: 18q21.2.
Variant type: single nucleotide variant.
Coding change: c.506A>C on transcript NM_005359.6 (MANE Select); coding-DNA position 506, A replaced by C.
Protein change: p.Gln169Pro; replaces glutamine 169 with proline.
Molecular consequence: missense variant. On other transcripts: non-coding transcript variant (2).
Genome position (GRCh38, 1-based): chr18:51,054,832, A>C. VCF-style: chr18-51054832-A-C. GRCh37 (hg19) VCF-style: chr18-48581202-A-C.
Other names: c.506A>C, p.Gln169Pro (NM_001407042.1, NM_001407043.1, NM_001407041.1); short protein forms Q169P.
Identifiers: ClinVar variation 5029754 (VCV005029754.1).
Genomic context (GRCh38, chr18:51,054,832, plus strand): 5'-TCTATATAGCTCCATCAAGTATGATGGTGAAGGATGAATATGTGCATGACTTTGAGGGAC[A>C]GCCATCGTTGTCCACTGAAGGACATTCAATTCAAACCATCCAGCATCCACCAAGTAATCG-3'
Protein context (NP_005350.1, residues 159-179): KDEYVHDFEG[Gln169Pro]PSLSTEGHSI

ClinVar aggregate classification (germline): Uncertain significance (1 of 4 stars; one submission).

Conditions:
Familial thoracic aortic aneurysm and aortic dissection (TAAD). Also called: Thoracic aortic aneurysms and dissections. Identifiers: Orphanet 91387, MedGen C4707243, MONDO:0019625.
Hereditary cancer-predisposing syndrome. Also called: Neoplastic Syndromes, Hereditary; Tumor predisposition; Hereditary neoplastic syndrome; Hereditary Cancer Syndrome. Identifiers: Orphanet 140162, MedGen C0027672, MeSH D009386, MONDO:0015356.

Submission:

Ambry Genetics
Classification: Uncertain significance for Hereditary cancer-predisposing syndrome; Familial thoracic aortic aneurysm and aortic dissection. Last evaluated: 2026-07-25. Review status: criteria provided, single submitter. Criteria: Ambry Variant Classification Scheme 2023. Collection method: clinical testing. Allele origin: germline.
Comment: The p.Q169P variant (also known as c.506A>C), located in coding exon 4 of the SMAD4 gene, results from an A to C substitution at nucleotide position 506. The glutamine at codon 169 is replaced by proline, an amino acid with similar properties. This amino acid position is conserved. In addition, the in silico prediction for this alteration is inconclusive. Based on the available evidence, the clinical significance of this variant remains unclear.